The following is an entry in ClinVar:

ClinVar aggregate classification (germline): Uncertain significance (0 of 4 stars; one submission).

Conditions:
PROK2-related disorder. Also called: PROK2-related condition.

Submission:

PreventionGenetics, part of Exact Sciences
Classification: Uncertain significance for PROK2-related condition. Last evaluated: 2024-08-30. Review status: no assertion criteria provided. Collection method: clinical testing. Allele origin: germline.
Comment: The PROK2 c.70G>T variant is predicted to result in the amino acid substitution p.Ala24Ser. To our knowledge, this variant has not been reported in the literature or in a large population database, indicating this variant is rare. However, a different variant affecting this residue has been reported in patients with Kallmann syndrome (p.Ala24Pro, Cole et al. 2008. PubMed ID: 18559922, Miraoui et al. 2013. PubMed ID: 23643382). At this time, the clinical significance of the c.70G>T (p.Ala24Ser) variant is uncertain due to the absence of conclusive functional and genetic evidence.

NM_001126128.2(PROK2):c.70G>T (p.Ala24Ser)

Gene: PROK2 (prokineticin 2; minus strand). Cytogenetic location: 3p13.
Variant type: single nucleotide variant.
Coding change: c.70G>T on transcript NM_001126128.2 (MANE Select); coding-DNA position 70, G replaced by T.
Protein change: p.Ala24Ser; replaces alanine 24 with serine.
Molecular consequence: missense variant.
Genome position (GRCh38, 1-based): chr3:71,784,983, C>A on the plus strand (G>T on the coding strand, the complement: PROK2 is on the minus strand). VCF-style: chr3-71784983-C-A. GRCh37 (hg19) VCF-style: chr3-71834134-C-A.
Other names: c.70G>T, p.Ala24Ser (NM_021935.4); short protein forms A24S.
Identifiers: ClinVar variation 3347735 (VCV003347735.1).